The following is an entry in ClinVar:

ClinVar aggregate classification (germline): Benign/Likely benign. Review status: criteria provided, multiple submitters, no conflicts (2 of 4 stars). 12 submissions from 9 submitters: Benign (9); Likely benign (3). Last evaluated 2026-02-03.

Conditions:
Autosomal recessive limb-girdle muscular dystrophy type 2J (LGMDR10). Also called: MUSCULAR DYSTROPHY, LIMB-GIRDLE, AUTOSOMAL RECESSIVE 10; Limb-girdle muscular dystrophy, type 2J. Identifiers: Orphanet 140922, MedGen C1837342, MONDO:0012127, OMIM 608807.
Dilated cardiomyopathy 1G (CMD1G). Identifiers: Orphanet 154, MedGen C1858763, MONDO:0011400, OMIM 604145.
Early-onset myopathy with fatal cardiomyopathy (CMYO5). Also called: CONGENITAL MYOPATHY 5 WITH CARDIOMYOPATHY; Salih Myopathy. Identifiers: Orphanet 289377, MedGen C2673677, MONDO:0012714, OMIM 611705. Disease mechanism: loss of function.
Myopathy, myofibrillar, 9, with early respiratory failure (MFM9). Also called: Hereditary myopathy with early respiratory failure; EDSTROM MYOPATHY; MYOPATHY, PROXIMAL, WITH EARLY RESPIRATORY MUSCLE INVOLVEMENT; Myopathy, distal, with early respiratory failure, autosomal dominant. Identifiers: Orphanet 178464, Orphanet 34521, MedGen C1863599, MONDO:0011362, OMIM 603689.
Tibial muscular dystrophy (TMD). Also called: UDD MYOPATHY; Udd Distal Myopathy – Tibial Muscular Dystrophy; Tibial muscular dystrophy, tardive. Identifiers: Orphanet 609, MedGen C1838244, MONDO:0010870, OMIM 600334.

Allele frequency attached by ClinVar (database versions not stated): ESP Exome Variant Server 0.00033; TOPMed 0.00252; gnomAD 0.00334 and 0.00431; gnomAD exomes 0.00374 and 0.00680; ExAC 0.00663; 1000 Genomes Project 30x 0.01437; 1000 Genomes Project 0.01617.
gnomAD v4.1: 6,087 of 1,611,698 alleles (0.38%); highest among the groups gnomAD compares: East Asian, 8.3%; 199 homozygotes.

Submissions (12):

Labcorp Genetics (formerly Invitae), Labcorp
Classification: Benign for Dilated cardiomyopathy 1G; Autosomal recessive limb-girdle muscular dystrophy type 2J. Last evaluated: 2026-02-03. Review status: criteria provided, single submitter. Criteria: Invitae Variant Classification Sherloc (09022015). Collection method: clinical testing. Allele origin: germline.

Molecular Diagnostic Laboratory for Inherited Cardiovascular Disease, Montreal Heart Institute
Classification: Benign. Last evaluated: 2025-04-09. Review status: criteria provided, single submitter. Criteria: ACMG Guidelines, 2015. Collection method: clinical testing. Allele origin: germline. Affected: no.

Blueprint Genetics
Classification: Likely benign. Last evaluated: 2024-11-15. Review status: criteria provided, single submitter. Criteria: ACMG Guidelines, 2015. Collection method: clinical testing. Allele origin: germline.

Athena Diagnostics
Classification: Benign. Last evaluated: 2023-12-29. Review status: criteria provided, single submitter. Criteria: Athena Diagnostics Criteria. Collection method: clinical testing. Allele origin: unknown.

Genome-Nilou Lab
Classification: Benign for Autosomal recessive limb-girdle muscular dystrophy type 2J. Last evaluated: 2021-09-10. Review status: criteria provided, single submitter. Criteria: ACMG Guidelines, 2015. Collection method: clinical testing. Allele origin: germline. Affected: no.

Genome-Nilou Lab
Classification: Benign for Myopathy, myofibrillar, 9, with early respiratory failure. Last evaluated: 2021-09-10. Review status: criteria provided, single submitter. Criteria: ACMG Guidelines, 2015. Collection method: clinical testing. Allele origin: germline. Affected: no.

Genome-Nilou Lab
Classification: Benign for Early-onset myopathy with fatal cardiomyopathy. Last evaluated: 2021-09-10. Review status: criteria provided, single submitter. Criteria: ACMG Guidelines, 2015. Collection method: clinical testing. Allele origin: germline. Affected: no.

Genome-Nilou Lab
Classification: Benign for Tibial muscular dystrophy. Last evaluated: 2021-09-10. Review status: criteria provided, single submitter. Criteria: ACMG Guidelines, 2015. Collection method: clinical testing. Allele origin: germline. Affected: no.

GeneDx
Classification: Benign. Last evaluated: 2014-04-09. Review status: criteria provided, single submitter. Criteria: GeneDx Variant Classification (06012015). Collection method: clinical testing. Allele origin: germline. Affected: yes.
Comment: This variant is considered likely benign or benign based on one or more of the following criteria: it is a conservative change, it occurs at a poorly conserved position in the protein, it is predicted to be benign by multiple in silico algorithms, and/or has population frequency not consistent with disease.

Laboratory for Molecular Medicine, Mass General Brigham Personalized Medicine
Classification: Benign. Last evaluated: 2013-10-21. Review status: criteria provided, single submitter. Criteria: LMM Criteria. Collection method: clinical testing. Allele origin: germline. Observed: 7 variant alleles.
Comment: Ser3473Asn in exon 44B of TTN: This variant is not expected to have clinical sig nificance because it has been identified in 9.1% (52/572) of Asian chromosomes b y the 1000 Genomes Project (dbSNP rs78535378).

Biesecker Lab/Clinical Genomics Section, National Institutes of Health
Classification: Likely benign. Last evaluated: 2013-06-24. Review status: criteria provided, single submitter. Criteria: Ng et al. (Circ Cardiovasc Genet. 2013). Collection method: research. Allele origin: unknown. Observed: 2 variant alleles. Study: ClinSeq.
Comment: The study set was not selected for affection status in relation to any cancer. Pathogenicity categories were based on literature curation. See Pubmed ID:23861362 for details.

Medical sequencing

Breakthrough Genomics
Classification: Likely benign. Review status: criteria provided, single submitter. Criteria: ACMG Guidelines, 2015. Collection method: not provided. Allele origin: germline. Inheritance: Autosomal recessive inheritance. Affected: yes.

Literature cited by the submitters: PubMed 26320847 (cited by Athena Diagnostics).

NM_001267550.2(TTN):c.10931G>A (p.Ser3644Asn)

Gene: TTN (titin; minus strand). Cytogenetic location: 2q31.2.
Variant type: single nucleotide variant.
Coding change: c.10931G>A on transcript NM_001267550.2 (MANE Select); coding-DNA position 10931, G replaced by A.
Protein change: p.Ser3644Asn; replaces serine 3644 with asparagine.
Molecular consequence: missense variant. On other transcripts: intron variant (5).
Genome position (GRCh38, 1-based): chr2:178,756,545, C>T on the plus strand (G>A on the coding strand, the complement: TTN is on the minus strand). VCF-style: chr2-178756545-C-T. GRCh37 (hg19) VCF-style: chr2-179621272-C-T.
Other names: p.S3473N:AGC>AAC; c.10931G>A (NM_001267550.1); c.10418G>A, p.Ser3473Asn (NM_133437.4); c.10165+2439G>A (NM_003319.4); c.10540+997G>A (NM_133432.3); c.10303+2439G>A (NM_133379.5, NM_133378.4, NM_001256850.1); short protein forms S3644N, S3473N.
Identifiers: ClinVar variation 137833 (VCV000137833.22), dbSNP rs78535378, ClinGen allele CA232533.
Genomic context (GRCh38, chr2:178,756,545, plus strand): 5'-AGGAAAATCTTGGGCGCCTCACCCGTGGACTCTTTAGCACATTCCTTAGATAGCTCAGTG[C>T]TTTCTGCAATTTGTGAAAGGGATGCAGTATGGCACAACTGTGTATCTTGAACAGATGCAG-3'
Protein context (NP_001254479.2, residues 3634-3654): HTASLSQIAE[Ser3644Asn]TELSKECAKE